The following is an entry in ClinVar:

NM_018718.3(CEP41):c.108G>T (p.Met36Ile)

Gene: CEP41 (centrosomal protein 41; minus strand). Cytogenetic location: 7q32.2.
Variant type: single nucleotide variant.
Coding change: c.108G>T on transcript NM_018718.3 (MANE Select); coding-DNA position 108, G replaced by T.
Protein change: p.Met36Ile; replaces methionine 36 with isoleucine.
Molecular consequence: missense variant. On other transcripts: non-coding transcript variant (1), intron variant (1).
Genome position (GRCh38, 1-based): chr7:130,416,956, C>A on the plus strand (G>T on the coding strand, the complement: CEP41 is on the minus strand). VCF-style: chr7-130416956-C-A. GRCh37 (hg19) VCF-style: chr7-130056797-C-A.
Other names: c.108G>T, p.Met36Ile (NM_001257158.2); c.98-4716G>T (NM_001257159.2); short protein forms M36I.
Identifiers: ClinVar variation 2117134 (VCV002117134.4), dbSNP rs2536105287, ClinGen allele CA369284603.

ClinVar aggregate classification (germline): Uncertain significance (1 of 4 stars; one submission).

Conditions:
Joubert syndrome 15 (JBTS15). Identifiers: Orphanet 475, MedGen C3280897, MONDO:0013763, OMIM 614464.

Allele frequency attached by ClinVar (database versions not stated): gnomAD exomes below 0.00001.
gnomAD v4.1: 1 of 1,579,248 alleles (0.000063%); highest among the groups gnomAD compares: South Asian, 0.0011%; no homozygotes.

Submission:

Labcorp Genetics (formerly Invitae), Labcorp
Classification: Uncertain significance for Joubert syndrome 15. Last evaluated: 2022-03-30. Review status: criteria provided, single submitter. Criteria: Invitae Variant Classification Sherloc (09022015). Collection method: clinical testing. Allele origin: germline.
Comment: This variant is not present in population databases (gnomAD no frequency). This sequence change replaces methionine, which is neutral and non-polar, with isoleucine, which is neutral and non-polar, at codon 36 of the CEP41 protein (p.Met36Ile). This variant has not been reported in the literature in individuals affected with CEP41-related conditions. In summary, the available evidence is currently insufficient to determine the role of this variant in disease. Therefore, it has been classified as a Variant of Uncertain Significance. Algorithms developed to predict the effect of missense changes on protein structure and function output the following: SIFT: "Tolerated"; PolyPhen-2: "Benign"; Align-GVGD: "Class C0". The isoleucine amino acid residue is found in multiple mammalian species, which suggests that this missense change does not adversely affect protein function.